The following is an entry in ClinVar:

NM_002184.4(IL6ST):c.721A>G (p.Lys241Glu)

Gene: IL6ST (interleukin 6 cytokine family signal transducer; minus strand). Cytogenetic location: 5q11.2.
Variant type: single nucleotide variant.
Coding change: c.721A>G on transcript NM_002184.4 (MANE Select); coding-DNA position 721, A replaced by G.
Protein change: p.Lys241Glu; replaces lysine 241 with glutamic acid.
Molecular consequence: missense variant. On other transcripts: 5 prime UTR variant (3), non-coding transcript variant (2).
Genome position (GRCh38, 1-based): chr5:55,963,444, T>C on the plus strand (A>G on the coding strand, the complement: IL6ST is on the minus strand). VCF-style: chr5-55963444-T-C. GRCh37 (hg19) VCF-style: chr5-55259272-T-C.
Other names: c.721A>G, p.Lys241Glu (NM_001190981.2, NM_001364275.2, NM_175767.3); c.511A>G, p.Lys171Glu (NM_001364276.2); c.-193A>G (NM_001364277.2, NM_001364279.2); c.-183A>G (NM_001364278.2); c.721A>G (NM_002184.3); short protein forms K171E, K241E.
Identifiers: ClinVar variation 1089086 (VCV001089086.11), dbSNP rs150242954, ClinGen allele CA3271630.

ClinVar aggregate classification (germline): Likely benign. Review status: criteria provided, single submitter (1 of 4 stars). 2 submissions from 2 submitters: Likely benign (1). 1 of the submissions does not count toward it. Last evaluated 2026-01-28.

Conditions:
IL6ST-related disorder. Also called: IL6ST-related condition.

Allele frequency attached by ClinVar (database versions not stated): gnomAD exomes 0.00028 and 0.00099; ESP Exome Variant Server 0.00031; ExAC 0.00069; gnomAD 0.00074 and 0.00079; TOPMed 0.00128; 1000 Genomes Project 30x 0.00156; 1000 Genomes Project 0.00160.
gnomAD v4.1: 546 of 1,608,336 alleles (0.034%); highest among the groups gnomAD compares: Admixed American, 0.61%; 1 homozygote.

Submissions (2):

Labcorp Genetics (formerly Invitae), Labcorp
Classification: Likely benign. Last evaluated: 2026-01-28. Review status: criteria provided, single submitter. Criteria: Invitae Variant Classification Sherloc (09022015). Collection method: clinical testing. Allele origin: germline.

PreventionGenetics, part of Exact Sciences
Classification: Likely benign for IL6ST-related condition. Last evaluated: 2019-11-06. Review status: no assertion criteria provided. Collection method: clinical testing. Allele origin: germline. Not counted in ClinVar's aggregate classification.
Comment: This variant is classified as likely benign based on ACMG/AMP sequence variant interpretation guidelines (Richards et al. 2015 PMID: 25741868, with internal and published modifications).